The following is an entry in ClinVar:

ClinVar aggregate classification (germline): Uncertain significance (1 of 4 stars; one submission).

Conditions:
Blau syndrome (BLAUS). Also called: GRANULOMATOSIS, FAMILIAL JUVENILE SYSTEMIC; GRANULOMATOSIS, FAMILIAL, BLAU TYPE; GRANULOMATOUS INFLAMMATORY ARTHRITIS, DERMATITIS, AND UVEITIS, FAMILIAL; JABS SYNDROME; ARTHROCUTANEOUVEAL GRANULOMATOSIS. Identifiers: Orphanet 90340, MedGen C5201146, MONDO:0008523, OMIM 186580.
Regional enteritis. Also called: Enteritis, Granulomatous. Identifiers: MedGen C0678202, MeSH D003424.

Submission:

Labcorp Genetics (formerly Invitae), Labcorp
Classification: Uncertain significance for Regional enteritis; Blau syndrome. Last evaluated: 2019-03-25. Review status: criteria provided, single submitter. Criteria: Invitae Variant Classification Sherloc (09022015). Collection method: clinical testing. Allele origin: germline.
Comment: In summary, the available evidence is currently insufficient to determine the role of this variant in disease. Therefore, it has been classified as a Variant of Uncertain Significance. Algorithms developed to predict the effect of missense changes on protein structure and function are either unavailable or do not agree on the potential impact of this missense change (SIFT: "Deleterious"; PolyPhen-2: "Probably Damaging"; Align-GVGD: "Class C0"). This variant has not been reported in the literature in individuals with NOD2-related conditions. This variant is not present in population databases (ExAC no frequency). This sequence change replaces valine with methionine at codon 802 of the NOD2 protein (p.Val802Met). The valine residue is highly conserved and there is a small physicochemical difference between valine and methionine.

NM_001370466.1(NOD2):c.2323G>A (p.Val775Met)

Gene: NOD2 (nucleotide binding oligomerization domain containing 2; plus strand). Cytogenetic location: 16q12.1.
Variant type: single nucleotide variant.
Coding change: c.2323G>A on transcript NM_001370466.1 (MANE Select); coding-DNA position 2323, G replaced by A.
Protein change: p.Val775Met; replaces valine 775 with methionine.
Molecular consequence: missense variant. On other transcripts: non-coding transcript variant (1).
Genome position (GRCh38, 1-based): chr16:50,712,315, G>A. VCF-style: chr16-50712315-G-A. GRCh37 (hg19) VCF-style: chr16-50746226-G-A.
Other names: c.2323G>A, p.Val775Met (NM_001293557.2); c.2404G>A, p.Val802Met (NM_022162.3); short protein forms V802M, V775M.
Identifiers: ClinVar variation 843955 (VCV000843955.10), dbSNP rs1964574298, ClinGen allele CA395872153.